The following is an entry in ClinVar:

NM_000393.5(COL5A2):c.3662G>A (p.Gly1221Asp)

Gene: COL5A2 (collagen type V alpha 2 chain; minus strand). Cytogenetic location: 2q32.2.
Variant type: single nucleotide variant.
Coding change: c.3662G>A on transcript NM_000393.5 (MANE Select); coding-DNA position 3662, G replaced by A.
Protein change: p.Gly1221Asp; replaces glycine 1221 with aspartic acid.
Molecular consequence: missense variant.
Genome position (GRCh38, 1-based): chr2:189,039,535, C>T on the plus strand (G>A on the coding strand, the complement: COL5A2 is on the minus strand). VCF-style: chr2-189039535-C-T. GRCh37 (hg19) VCF-style: chr2-189904261-C-T.
Other names: short protein forms G1221D.
Identifiers: ClinVar variation 423876 (VCV000423876.2), dbSNP rs1064796676, ClinGen allele CA16617396.

ClinVar aggregate classification (germline): Uncertain significance (1 of 4 stars; one submission).

Submission:

GeneDx
Classification: Uncertain significance. Last evaluated: 2017-02-24. Review status: criteria provided, single submitter. Criteria: GeneDx Variant Classification (06012015). Collection method: clinical testing. Allele origin: germline. Affected: yes.
Comment: The G1221D variant in the COL5A2 gene has not been reported previously as a pathogenic variant, nor as a benign variant, to our knowledge. This variant is not observed in large population cohorts (Lek et al., 2016; 1000 Genomes Consortium et al., 2015; Exome Variant Server). The G1221D variant is a non-conservative amino acid substitution, which is likely to impact secondary protein structure as these residues differ in polarity, charge, size and/or other properties. This substitution occurs at a position that is conserved across species, and in silico analysis predicts this variant is probably damaging to the protein structure/function. We interpret G1221D as a variant of uncertain significance.